The following is an entry in ClinVar:

ClinVar aggregate classification (germline): Benign/Likely benign. Review status: criteria provided, multiple submitters, no conflicts (2 of 4 stars). 6 submissions from 6 submitters: Benign (1); Likely benign (4). 1 of the submissions does not count toward it. Last evaluated 2026-01-30.

Conditions:
Patterned macular dystrophy 2. Identifiers: Orphanet 99001, MedGen C1837029, MONDO:0012162, OMIM 608970.
CTNNA1-related disorder. Also called: CTNNA1-related condition.
Hereditary cancer-predisposing syndrome. Also called: Neoplastic Syndromes, Hereditary; Hereditary Cancer Syndrome; Tumor predisposition; Hereditary neoplastic syndrome. Identifiers: Orphanet 140162, MedGen C0027672, MeSH D009386, MONDO:0015356.
Hereditary diffuse gastric adenocarcinoma (HDGC). Also called: DIFFUSE GASTRIC AND LOBULAR BREAST CANCER SYNDROME. Identifiers: Orphanet 26106, MedGen C1708349, MONDO:0007648, OMIM 137215.

Allele frequency attached by ClinVar (database versions not stated): ExAC 0.00001; gnomAD exomes 0.00002; gnomAD 0.00003; TOPMed 0.00003.
gnomAD v4.1: 35 of 1,614,086 alleles (0.0022%); highest among the groups gnomAD compares: Non-Finnish European, 0.0026%; no homozygotes.

Submissions (6):

Labcorp Genetics (formerly Invitae), Labcorp
Classification: Likely benign. Last evaluated: 2026-01-30. Review status: criteria provided, single submitter. Criteria: Invitae Variant Classification Sherloc (09022015). Collection method: clinical testing. Allele origin: germline.

ARUP Laboratories, Molecular Genetics and Genomics, ARUP Laboratories
Classification: Likely benign for Patterned macular dystrophy 2. Last evaluated: 2025-05-20. Review status: criteria provided, single submitter. Criteria: ARUP Molecular Germline Variant Investigation Process 2024. Collection method: clinical testing. Allele origin: germline.

Blueprint Genetics
Classification: Likely benign. Last evaluated: 2024-11-20. Review status: criteria provided, single submitter. Criteria: ACMG Guidelines, 2015. Collection method: clinical testing. Allele origin: germline.

Myriad Genetics, Inc.
Classification: Benign for Hereditary diffuse gastric adenocarcinoma. Last evaluated: 2024-10-10. Review status: criteria provided, single submitter. Criteria: Myriad Autosomal Dominant, Autosomal Recessive and X-Linked Classification Criteria (2023). Collection method: clinical testing. Allele origin: unknown.
Comment: This variant is considered benign. This variant is a silent/synonymous amino acid change and it is not expected to impact splicing.

Ambry Genetics
Classification: Likely benign for Hereditary cancer-predisposing syndrome. Last evaluated: 2019-06-28. Review status: criteria provided, single submitter. Criteria: Ambry Variant Classification Scheme 2023. Collection method: clinical testing. Allele origin: germline.

PreventionGenetics, part of Exact Sciences
Classification: Likely benign for CTNNA1-related condition. Last evaluated: 2023-09-03. Review status: no assertion criteria provided. Collection method: clinical testing. Allele origin: germline. Not counted in ClinVar's aggregate classification.
Comment: This variant is classified as likely benign based on ACMG/AMP sequence variant interpretation guidelines (Richards et al. 2015 PMID: 25741868, with internal and published modifications).

NM_001903.5(CTNNA1):c.891C>T (p.Ser297=)

Gene: CTNNA1 (catenin alpha 1; plus strand). Cytogenetic location: 5q31.2.
Variant type: single nucleotide variant.
Coding change: c.891C>T on transcript NM_001903.5 (MANE Select); coding-DNA position 891, C replaced by T.
Protein change: p.Ser297=; no amino-acid change (serine 297 retained).
Molecular consequence: synonymous variant.
Genome position (GRCh38, 1-based): chr5:138,827,547, C>T. VCF-style: chr5-138827547-C-T. GRCh37 (hg19) VCF-style: chr5-138163236-C-T.
Other names: c.891C>T (NM_001903.4); c.891C>T, p.Ser297= (NM_001290307.3, NM_001323982.2, NM_001323983.1 and 3 more transcripts); c.582C>T, p.Ser194= (NM_001290309.3); c.522C>T, p.Ser174= (NM_001290310.3).
Identifiers: ClinVar variation 652074 (VCV000652074.22), dbSNP rs753897960, ClinGen allele CA3431588.